The following is an entry in ClinVar:

NM_003242.6(TGFBR2):c.53C>T (p.Thr18Met)

Gene: TGFBR2 (transforming growth factor beta receptor 2; plus strand). Cytogenetic location: 3p24.1.
Variant type: single nucleotide variant.
Coding change: c.53C>T on transcript NM_003242.6 (MANE Select); coding-DNA position 53, C replaced by T.
Protein change: p.Thr18Met; replaces threonine 18 with methionine.
Molecular consequence: missense variant. On other transcripts: 5 prime UTR variant (4), intron variant (2).
Genome position (GRCh38, 1-based): chr3:30,606,936, C>T. VCF-style: chr3-30606936-C-T. GRCh37 (hg19) VCF-style: chr3-30648428-C-T.
Other names: c.53C>T, p.Thr18Met (NM_001024847.3, NM_001407126.1, NM_001407127.1 and 4 more transcripts); c.-231C>T (NM_001407133.1); c.-109C>T (NM_001407134.1); c.-156C>T (NM_001407135.1); c.-241C>T (NM_001407136.1); c.-12+343C>T (NM_001407129.1, NM_001407132.1); short protein forms T18M.
Identifiers: ClinVar variation 2875193 (VCV002875193.3), dbSNP rs1234963515, ClinGen allele CA351830560.

ClinVar aggregate classification (germline): Uncertain significance (1 of 4 stars; one submission).

Conditions:
Familial thoracic aortic aneurysm and aortic dissection (TAAD). Also called: Thoracic aortic aneurysms and dissections. Identifiers: Orphanet 91387, MedGen C4707243, MONDO:0019625.

Allele frequency attached by ClinVar (database versions not stated): gnomAD 0.00001; TOPMed 0.00001.

Submission:

Labcorp Genetics (formerly Invitae), Labcorp
Classification: Uncertain significance for Familial thoracic aortic aneurysm and aortic dissection. Last evaluated: 2023-07-10. Review status: criteria provided, single submitter. Criteria: Invitae Variant Classification Sherloc (09022015). Collection method: clinical testing. Allele origin: germline.
Comment: In summary, the available evidence is currently insufficient to determine the role of this variant in disease. Therefore, it has been classified as a Variant of Uncertain Significance. Advanced modeling of protein sequence and biophysical properties (such as structural, functional, and spatial information, amino acid conservation, physicochemical variation, residue mobility, and thermodynamic stability) performed at Invitae indicates that this missense variant is not expected to disrupt TGFBR2 protein function. This variant has not been reported in the literature in individuals affected with TGFBR2-related conditions. This variant is not present in population databases (gnomAD no frequency). This sequence change replaces threonine, which is neutral and polar, with methionine, which is neutral and non-polar, at codon 18 of the TGFBR2 protein (p.Thr18Met).